The following is an entry in ClinVar:

ClinVar aggregate classification (germline): Uncertain significance (1 of 4 stars; one submission).

Submission:

Labcorp Genetics (formerly Invitae), Labcorp
Classification: Uncertain significance. Last evaluated: 2021-04-28. Review status: criteria provided, single submitter. Criteria: Invitae Variant Classification Sherloc (09022015). Collection method: clinical testing. Allele origin: germline.
Comment: This sequence change replaces methionine with isoleucine at codon 506 of the FH protein (p.Met506Ile). The methionine residue is highly conserved and there is a small physicochemical difference between methionine and isoleucine. This variant is not present in population databases (ExAC no frequency). This variant has not been reported in the literature in individuals with FH-related conditions. Advanced modeling of protein sequence and biophysical properties (such as structural, functional, and spatial information, amino acid conservation, physicochemical variation, residue mobility, and thermodynamic stability) performed at Invitae indicates that this missense variant is expected to disrupt FH protein function. In summary, the available evidence is currently insufficient to determine the role of this variant in disease. Therefore, it has been classified as a Variant of Uncertain Significance.

NM_000143.4(FH):c.1518G>A (p.Met506Ile)

Gene: FH (fumarate hydratase; minus strand). Cytogenetic location: 1q43.
Variant type: single nucleotide variant.
Coding change: c.1518G>A on transcript NM_000143.4 (MANE Select); coding-DNA position 1518, G replaced by A.
Protein change: p.Met506Ile; replaces methionine 506 with isoleucine.
Molecular consequence: missense variant.
Genome position (GRCh38, 1-based): chr1:241,497,843, C>T on the plus strand (G>A on the coding strand, the complement: FH is on the minus strand). VCF-style: chr1-241497843-C-T. GRCh37 (hg19) VCF-style: chr1-241661143-C-T.
Other names: short protein forms M506I.
Identifiers: ClinVar variation 1352905 (VCV001352905.8), dbSNP rs2147911190, ClinGen allele CA345450028.